The following is an entry in ClinVar:

NM_001365536.1(SCN9A):c.2018A>G (p.Tyr673Cys)

Genes: SCN1A-AS1 (SCN1A and SCN9A antisense RNA 1; plus strand), SCN9A (sodium voltage-gated channel alpha subunit 9; minus strand). Cytogenetic location: 2q24.3.
Variant type: single nucleotide variant.
Coding change: c.2018A>G on transcript NM_001365536.1 (MANE Select); coding-DNA position 2018, A replaced by G.
Protein change: p.Tyr673Cys; replaces tyrosine 673 with cysteine.
Molecular consequence: missense variant.
Genome position (GRCh38, 1-based): chr2:166,281,765, T>C on the plus strand (A>G on the coding strand, the complement: SCN9A is on the minus strand). VCF-style: chr2-166281765-T-C. GRCh37 (hg19) VCF-style: chr2-167138275-T-C.
Other names: c.1985A>G, p.Tyr662Cys (NM_002977.4); short protein forms Y662C, Y673C.
Identifiers: ClinVar variation 538466 (VCV000538466.12), dbSNP rs1433498013, ClinGen allele CA349081236.

ClinVar aggregate classification (germline): Uncertain significance (1 of 4 stars; one submission).

Conditions:
Neuropathy, hereditary sensory and autonomic, type 2A (HSAN2A). Also called: ACROOSTEOLYSIS, GIACCAI TYPE; ACROOSTEOLYSIS, NEUROGENIC; MORVAN DISEASE; NEUROPATHY, CONGENITAL SENSORY; NEUROPATHY, HEREDITARY SENSORY RADICULAR, AUTOSOMAL RECESSIVE; NEUROPATHY, HEREDITARY SENSORY, TYPE IIA. Identifiers: Orphanet 970, MedGen C2752089, MONDO:0024309, OMIM 201300.
Generalized epilepsy with febrile seizures plus, type 7 (GEFSP7). Also called: GEFS+, TYPE 7. Identifiers: Orphanet 36387, MedGen C2751778, MONDO:0013470, OMIM 613863.

Allele frequency attached by ClinVar (database versions not stated): gnomAD exomes 0.00001; TOPMed 0.00001.
gnomAD v4.1: 9 of 1,613,328 alleles (0.00056%); highest among the groups gnomAD compares: Admixed American, 0.0067%; no homozygotes.

Submission:

Labcorp Genetics (formerly Invitae), Labcorp
Classification: Uncertain significance for Neuropathy, hereditary sensory and autonomic, type 2A; Generalized epilepsy with febrile seizures plus, type 7. Last evaluated: 2025-11-23. Review status: criteria provided, single submitter. Criteria: Invitae Variant Classification Sherloc (09022015). Collection method: clinical testing. Allele origin: germline.
Comment: This sequence change replaces tyrosine, which is neutral and polar, with cysteine, which is neutral and slightly polar, at codon 662 of the SCN9A protein (p.Tyr662Cys). This variant is present in population databases (no rsID available, gnomAD 0.003%). This missense change has been observed in individual(s) with clinical features of SCN9A-related conditions (PMID: 32005694). ClinVar contains an entry for this variant (Variation ID: 538466). Invitae Evidence Modeling of protein sequence and biophysical properties (such as structural, functional, and spatial information, amino acid conservation, physicochemical variation, residue mobility, and thermodynamic stability) indicates that this missense variant is not expected to disrupt SCN9A protein function with a negative predictive value of 95%. In summary, the available evidence is currently insufficient to determine the role of this variant in disease. Therefore, it has been classified as a Variant of Uncertain Significance.

Literature cited by the submitters: PubMed 32005694.